The following is an entry in ClinVar:

ClinVar aggregate classification (germline): Benign/Likely benign. Review status: criteria provided, multiple submitters, no conflicts (2 of 4 stars). 3 submissions from 3 submitters: Benign (2); Likely benign (1). Last evaluated 2026-08-01.

Allele frequency attached by ClinVar (database versions not stated): gnomAD exomes 0.00028 and 0.00075; ExAC 0.00094; 1000 Genomes Project 30x 0.00203; 1000 Genomes Project 0.00220; gnomAD 0.00277 and 0.00306; TOPMed 0.00336; ESP Exome Variant Server 0.00423.
gnomAD v4.1: 856 of 1,613,838 alleles (0.053%); highest among the groups gnomAD compares: African/African-American, 1%; 7 homozygotes.

Submissions (3):

CeGaT Center for Human Genetics Tuebingen
Classification: Likely benign. Last evaluated: 2026-08-01. Review status: criteria provided, single submitter. Criteria: CeGaT Center For Human Genetics Tuebingen Variant Classification Criteria Version 2. Collection method: clinical testing. Allele origin: germline. Affected: yes. Observed: 1 variant allele.
Comment: RPS6KC1: BP4, BS1

Labcorp Genetics (formerly Invitae), Labcorp
Classification: Benign. Last evaluated: 2025-12-17. Review status: criteria provided, single submitter. Criteria: Invitae Variant Classification Sherloc (09022015). Collection method: clinical testing. Allele origin: germline.

Breakthrough Genomics
Classification: Benign. Review status: criteria provided, single submitter. Criteria: ACMG Guidelines, 2015. Collection method: not provided. Allele origin: germline. Inheritance: Unknown mechanism. Affected: yes.

NM_012424.6(RPS6KC1):c.1682C>G (p.Pro561Arg)

Gene: RPS6KC1 (ribosomal protein S6 kinase C1; plus strand). Cytogenetic location: 1q32.3.
Variant type: single nucleotide variant.
Coding change: c.1682C>G on transcript NM_012424.6 (MANE Select); coding-DNA position 1682, C replaced by G.
Protein change: p.Pro561Arg; replaces proline 561 with arginine.
Molecular consequence: missense variant. On other transcripts: non-coding transcript variant (4).
Genome position (GRCh38, 1-based): chr1:213,241,158, C>G. VCF-style: chr1-213241158-C-G. GRCh37 (hg19) VCF-style: chr1-213414501-C-G.
Other names: c.1646C>G, p.Pro549Arg (NM_001136138.4); c.1046C>G, p.Pro349Arg (NM_001287218.3, NM_001287219.3, NM_001349654.2); c.287C>G, p.Pro96Arg (NM_001287220.3, NM_001349663.2, NM_001349664.2 and 8 more transcripts); c.1139C>G, p.Pro380Arg (NM_001287221.3, NM_001349648.2, NM_001349649.2 and 4 more transcripts); c.1589C>G, p.Pro530Arg (NM_001349646.2); c.1319C>G, p.Pro440Arg (NM_001349647.2); c.791C>G, p.Pro264Arg (NM_001349657.2, NM_001349658.2); c.626C>G, p.Pro209Arg (NM_001349659.2, NM_001349660.2, NM_001349661.2 and 1 more transcripts); short protein forms P380R, P440R, P530R, P561R, P209R, P549R, P349R, P96R.
Identifiers: ClinVar variation 726712 (VCV000726712.11), dbSNP rs17020314, ClinGen allele CA1387499.